The following is an entry in ClinVar:

NM_001272046.2(VWA2):c.1771C>T (p.Arg591Trp)

Genes: AFAP1L2 (actin filament associated protein 1 like 2; minus strand), VWA2 (von Willebrand factor A domain containing 2; plus strand). Cytogenetic location: 10q25.3.
Variant type: single nucleotide variant.
Coding change: c.1771C>T on transcript NM_001272046.2 (MANE Select); coding-DNA position 1771, C replaced by T.
Protein change: p.Arg591Trp; replaces arginine 591 with tryptophan.
Molecular consequence: missense variant.
Genome position (GRCh38, 1-based): chr10:114,289,138, C>T. VCF-style: chr10-114289138-C-T. GRCh37 (hg19) VCF-style: chr10-116048897-C-T.
Other names: c.1771C>T, p.Arg591Trp (NM_001320804.1); short protein forms R591W.
Identifiers: ClinVar variation 729720 (VCV000729720.6), dbSNP rs200171942, ClinGen allele CA5700786.

ClinVar aggregate classification (germline): Benign. Review status: criteria provided, single submitter (1 of 4 stars). 2 submissions from 2 submitters: Benign (1). 1 of the submissions does not count toward it. Last evaluated 2019-12-31.

Conditions:
VWA2-related disorder. Also called: VWA2-related condition.

Allele frequency attached by ClinVar (database versions not stated): ESP Exome Variant Server 0.00008; gnomAD 0.00013 and 0.00023; TOPMed 0.00018; ExAC 0.00045; gnomAD exomes 0.00054; 1000 Genomes Project 30x 0.00078; 1000 Genomes Project 0.00080.
gnomAD v4.1: 526 of 1,613,940 alleles (0.033%); highest among the groups gnomAD compares: East Asian, 0.86%; 4 homozygotes.

Submissions (2):

Labcorp Genetics (formerly Invitae), Labcorp
Classification: Benign. Last evaluated: 2019-12-31. Review status: criteria provided, single submitter. Criteria: Invitae Variant Classification Sherloc (09022015). Collection method: clinical testing. Allele origin: germline.

PreventionGenetics, part of Exact Sciences
Classification: Likely benign for VWA2-related condition. Last evaluated: 2019-06-28. Review status: no assertion criteria provided. Collection method: clinical testing. Allele origin: germline. Not counted in ClinVar's aggregate classification.
Comment: This variant is classified as likely benign based on ACMG/AMP sequence variant interpretation guidelines (Richards et al. 2015 PMID: 25741868, with internal and published modifications).